The following is an entry in ClinVar:

ClinVar aggregate classification (germline): Likely pathogenic (1 of 4 stars; one submission).

Conditions:
Lethal congenital contractural syndrome Finnish type.

Submission:

Natera, Inc.
Classification: Likely pathogenic for Lethal congenital contractural syndrome Finnish type. Last evaluated: 2025-01-12. Review status: criteria provided, single submitter. Criteria: Natera Variant Classification Schema (03/2026). Collection method: clinical testing. Allele origin: germline.
Comment: The c.1732_1736del variant in GLE1 is a frameshift variant predicted to shift the reading frame beginning at codon 578 and leads to a stop codon 45 codons downstream. This variant is expected to result in nonsense mediated decay, truncation, or a dysfunctional protein product. This variant is rare in the general population with a frequency below the threshold expected for the associated phenotype(s). Given the available evidence, this variant is classified as Likely Pathogenic.

NM_001003722.2(GLE1):c.1732_1736del (p.Ala578fs)

Genes: GLE1 (GLE1 RNA export mediator; plus strand), LOC101929270 (uncharacterized LOC101929270; minus strand). Cytogenetic location: 9q34.11.
Variant type: Deletion.
Coding change: c.1732_1736del on transcript NM_001003722.2 (MANE Select); coding-DNA positions 1732 to 1736, 5 bases deleted (GCTGC; older notation c.1732_1736delGCTGC).
Protein change: p.Ala578fs; shifts the reading frame from alanine 578.
Molecular consequence: frameshift variant.
Genome position (GRCh38, 1-based): chr9:128,536,440-128,536,444, GCTGC deleted; deleting any 5 consecutive bases within chr9:128,536,439-128,536,444 gives the same sequence; the c. name uses the placement nearest the transcript's 3' end. VCF-style (leftmost placement, unchanged base first): chr9-128536438-ACGCTG-A. GRCh37 (hg19) VCF-style: chr9-131298717-ACGCTG-A.
Other names: c.1732_1736delGCTGC, p.Ala578Tyrfs (NM_001003722.1); c.1759_1763del, p.Ala587fs (NM_001411013.1); c.1732_1736del, p.Ala578fs (NM_001499.2); short protein forms A578fs, A587fs.
Identifiers: ClinVar variation 4068771 (VCV004068771.2).